The following is an entry in ClinVar:

ClinVar aggregate classification (germline): Uncertain significance (1 of 4 stars; one submission).

Conditions:
WARS1-related disorder. Also called: WARS1-related condition.

gnomAD v4.1: 1 of 1,614,212 alleles (0.000062%); highest among the groups gnomAD compares: Non-Finnish European, 0.000085%; no homozygotes.

Submission:

PreventionGenetics, part of Exact Sciences
Classification: Uncertain significance for WARS1-related condition. Last evaluated: 2026-08-19. Review status: criteria provided, single submitter. Criteria: ACMG Guidelines, 2015. Collection method: clinical testing. Allele origin: germline.
Comment: The WARS1 c.664A>G variant is predicted to result in the amino acid substitution p.Ile222Val. To our knowledge, this variant has not been reported in the literature or in a large population database (gnomAD), indicating this variant is rare. At this time, the clinical significance of this variant is uncertain due to the absence of conclusive functional and genetic evidence.

NM_004184.4(WARS1):c.664A>G (p.Ile222Val)

Gene: WARS1 (tryptophanyl-tRNA synthetase 1; minus strand). Cytogenetic location: 14q32.2.
Variant type: single nucleotide variant.
Coding change: c.664A>G on transcript NM_004184.4 (MANE Select); coding-DNA position 664, A replaced by G.
Protein change: p.Ile222Val; replaces isoleucine 222 with valine.
Molecular consequence: missense variant.
Genome position (GRCh38, 1-based): chr14:100,353,748, T>C on the plus strand (A>G on the coding strand, the complement: WARS1 is on the minus strand). VCF-style: chr14-100353748-T-C. GRCh37 (hg19) VCF-style: chr14-100820085-T-C.
Other names: c.664A>G, p.Ile222Val (NM_173701.2); c.541A>G, p.Ile181Val (NM_213645.2, NM_213646.2); short protein forms I181V, I222V.
Identifiers: ClinVar variation 4992055 (VCV004992055.1).
Genomic context (GRCh38, chr14:100,353,748, plus strand): 5'-CCATGTAGTCCAGGTCAGAGAATATGAAAGTCTTGTTGATGTCAAAGCCACAGGCGATGA[T>C]GTCCTTGGCATTCTCCACAGCATAGCTATAGGCCTGGTCCAGGGTCAGGTCCTTCCACAG-3'
Protein context (NP_004175.2, residues 212-232): YSYAVENAKD[Ile222Val]IACGFDINKT